The following is an entry in ClinVar:

NM_000540.3(RYR1):c.2933C>T (p.Pro978Leu)

Gene: RYR1 (ryanodine receptor 1; plus strand). Cytogenetic location: 19q13.2.
Variant type: single nucleotide variant.
Coding change: c.2933C>T on transcript NM_000540.3 (MANE Select); coding-DNA position 2933, C replaced by T.
Protein change: p.Pro978Leu; replaces proline 978 with leucine.
Molecular consequence: missense variant.
Genome position (GRCh38, 1-based): chr19:38,466,153, C>T. VCF-style: chr19-38466153-C-T. GRCh37 (hg19) VCF-style: chr19-38956793-C-T.
Other names: c.2933C>T, p.Pro978Leu (NM_001042723.2); short protein forms P978L.
Identifiers: ClinVar variation 449276 (VCV000449276.15), dbSNP rs200124278, ClinGen allele CA064223.
Genomic context (GRCh38, chr19:38,466,153, plus strand): 5'-ATATGATGAGCAATGGGTACAAGCCGGCTCCGCTGGACCTGAGCCACGTGCGGCTGACGC[C>T]GGCGCAGACGACACTGGTGGACCGTCTGGCAGAAAATGGGCACAACGTGTGGGCCCGAGA-3'
Protein context (NP_000531.2, residues 968-988): PLDLSHVRLT[Pro978Leu]AQTTLVDRLA

ClinVar aggregate classification (germline): Conflicting classifications of pathogenicity. Review status: criteria provided, conflicting classifications (1 of 4 stars). 5 submissions from 5 submitters: Uncertain significance (2); Likely benign (3). Last evaluated 2025-09-08.

Conditions:
RYR1-related disorder. Also called: RYR1-related disorders; RYR1-related condition. Identifiers: MedGen CN239331.
Malignant hyperthermia, susceptibility to, 1 (MHS1). Also called: Anesthesia related hyperthermia; Malignant hyperpyrexia; Fulminating hyperpyrexia; Pharmacogenic myopathy; RYR1-Related Malignant Hyperthermia Susceptibility; Malignant hyperthermia suceptibility 1. Identifiers: Orphanet 423, MedGen C2930980, MONDO:0007783, OMIM 145600.

Allele frequency attached by ClinVar (database versions not stated): TOPMed 0.00004; gnomAD exomes 0.00013 and 0.00026; gnomAD 0.00017 and 0.00019; ExAC 0.00021.
gnomAD v4.1: 219 of 1,613,238 alleles (0.014%); highest among the groups gnomAD compares: Non-Finnish European, 0.0037%; no homozygotes.

Submissions (5):

Labcorp Genetics (formerly Invitae), Labcorp
Classification: Likely benign for RYR1-related disorder. Last evaluated: 2025-09-08. Review status: criteria provided, single submitter. Criteria: Invitae Variant Classification Sherloc (09022015). Collection method: clinical testing. Allele origin: germline.

Blueprint Genetics
Classification: Likely benign. Last evaluated: 2024-11-21. Review status: criteria provided, single submitter. Criteria: ACMG Guidelines, 2015. Collection method: clinical testing. Allele origin: germline.

Color Diagnostics, LLC DBA Color Health
Classification: Likely benign for Malignant hyperthermia, susceptibility to, 1. Last evaluated: 2022-11-06. Review status: criteria provided, single submitter. Criteria: ACMG Guidelines, 2015. Collection method: clinical testing. Allele origin: germline.

PreventionGenetics, part of Exact Sciences
Classification: Uncertain significance. Last evaluated: 2017-11-20. Review status: criteria provided, single submitter. Criteria: ACMG Guidelines, 2015. Collection method: clinical testing. Allele origin: germline.

GeneDx
Classification: Uncertain significance. Last evaluated: 2017-08-08. Review status: criteria provided, single submitter. Criteria: GeneDx Variant Classification (06012015). Collection method: clinical testing. Allele origin: germline. Affected: yes.
Comment: The P978L variant in the RYR1 gene has not been reported previously as a pathogenic variant, nor as a benign variant, to our knowledge. The P978L variant is observed in 13/5020 alleles (0.259%) alleles from individuals of Finnish background in the ExAC dataset (Lek et al., 2016). The P978L variant is a semi-conservative amino acid substitution, which may impact secondary protein structure as these residues differ in some properties. This substitution occurs at a position that is conserved across species. In silico analysis predicts this variant is probably damaging to the protein structure/function. We interpret P978L as a variant of uncertain significance.